The following is an entry in ClinVar:

NM_033305.3(VPS13A):c.3052del (p.Glu1018fs)

Gene: VPS13A (vacuolar protein sorting 13 homolog A; plus strand). Cytogenetic location: 9q21.2.
Variant type: Deletion.
Coding change: c.3052del on transcript NM_033305.3 (MANE Select); coding-DNA position 3052, one base deleted (G; older notation c.3052delG).
Protein change: p.Glu1018fs; shifts the reading frame from glutamic acid 1018.
Molecular consequence: frameshift variant.
Genome position (GRCh38, 1-based): chr9:77,282,208, G deleted. VCF-style (leftmost placement, unchanged base first): chr9-77282207-AG-A. GRCh37 (hg19) VCF-style: chr9-79897123-AG-A.
Other names: c.3052del, p.Glu1018fs (NM_001018037.2, NM_001018038.3, NM_015186.4); short protein forms E1018fs.
Identifiers: ClinVar variation 1452386 (VCV001452386.6), dbSNP rs2131347192, ClinGen allele CA2573144716.

ClinVar aggregate classification (germline): Pathogenic (1 of 4 stars; one submission).

Submission:

Labcorp Genetics (formerly Invitae), Labcorp
Classification: Pathogenic. Last evaluated: 2021-11-27. Review status: criteria provided, single submitter. Criteria: Invitae Variant Classification Sherloc (09022015). Collection method: clinical testing. Allele origin: germline.
Comment: For these reasons, this variant has been classified as Pathogenic. This variant has not been reported in the literature in individuals affected with VPS13A-related conditions. This variant is not present in population databases (gnomAD no frequency). This sequence change creates a premature translational stop signal (p.Glu1018Argfs*22) in the VPS13A gene. It is expected to result in an absent or disrupted protein product. Loss-of-function variants in VPS13A are known to be pathogenic (PMID: 12404112, 21598378).

Literature cited by the submitters: PubMed 12404112; PubMed 21598378.